The following is an entry in ClinVar:

NM_001572.5(IRF7):c.1235_1236delinsGT (p.Gln412Arg)

Gene: IRF7 (interferon regulatory factor 7; minus strand). Cytogenetic location: 11p15.5.
Variant type: Indel.
Coding change: c.1235_1236delinsGT on transcript NM_001572.5 (MANE Select); coding-DNA positions 1235 to 1236, AA replaced by GT.
Protein change: p.Gln412Arg; replaces glutamine 412 with arginine.
Molecular consequence: missense variant.
Genome position (GRCh38, 1-based): chr11:613,207-613,208, TT replaced by AC on the plus strand (AA replaced by GT on the coding strand, the reverse complement: IRF7 is on the minus strand). VCF-style: chr11-613207-TT-AC. GRCh37 (hg19) VCF-style: chr11-613207-TT-AC.
Other names: c.1235_1236delinsGT, p.Gln412Arg (LRG_1313t1); c.1148_1149delinsGT, p.Gln383Arg (NM_004029.4); c.1274_1275delinsGT, p.Gln425Arg (NM_004031.4); short protein forms Q412R, Q383R, Q425R.
Identifiers: ClinVar variation 648732 (VCV000648732.9), dbSNP rs1589917435, ClinGen allele CA915948747.

ClinVar aggregate classification (germline): Uncertain significance (1 of 4 stars; one submission).

Conditions:
Immunodeficiency 39 (IMD39). Identifiers: Orphanet 574918, MedGen C4225358, MONDO:0014597, OMIM 616345.

Submission:

Labcorp Genetics (formerly Invitae), Labcorp
Classification: Uncertain significance for Immunodeficiency 39. Last evaluated: 2019-07-18. Review status: criteria provided, single submitter. Criteria: Invitae Variant Classification Sherloc (09022015). Collection method: clinical testing. Allele origin: germline.
Comment: In summary, the available evidence is currently insufficient to determine the role of this variant in disease. Therefore, it has been classified as a Variant of Uncertain Significance. Algorithms developed to predict the effect of sequence changes on RNA splicing suggest that this variant may disrupt the consensus splice site, but this prediction has not been confirmed by published transcriptional studies. Algorithms developed to predict the effect of missense changes on protein structure and function output the following: SIFT: "Tolerated"; PolyPhen-2: "Benign"; Align-GVGD: "Class C0". The arginine amino acid residue is found in multiple mammalian species, suggesting that this missense change does not adversely affect protein function. These predictions have not been confirmed by published functional studies and their clinical significance is uncertain. This variant has not been reported in the literature in individuals with IRF7-related disease. This variant is not present in population databases (ExAC no frequency). This sequence change replaces glutamine with arginine at codon 425 of the IRF7 protein (p.Gln425Arg). The glutamine residue is weakly conserved and there is a small physicochemical difference between glutamine and arginine.